The following is an entry in ClinVar:

NM_000059.4(BRCA2):c.811G>A (p.Gly271Arg)

Gene: BRCA2 (BRCA2 DNA repair associated; plus strand). Cytogenetic location: 13q13.1.
Variant type: single nucleotide variant.
Coding change: c.811G>A on transcript NM_000059.4 (MANE Select); coding-DNA position 811, G replaced by A.
Protein change: p.Gly271Arg; replaces glycine 271 with arginine.
Molecular consequence: missense variant.
Genome position (GRCh38, 1-based): chr13:32,332,289, G>A. VCF-style: chr13-32332289-G-A. GRCh37 (hg19) VCF-style: chr13-32906426-G-A.
Other names: short protein forms G271R.
Identifiers: ClinVar variation 188426 (VCV000188426.32), dbSNP rs786204274, ClinGen allele CA025461.

ClinVar aggregate classification (germline): Conflicting classifications of pathogenicity. Review status: criteria provided, conflicting classifications (1 of 4 stars). 12 submissions from 12 submitters: Uncertain significance (5); Likely benign (7). Last evaluated 2025-11-24.

Conditions:
Familial colorectal cancer type X. Identifiers: Orphanet 440437, MedGen C3896578, MONDO:0018604.
BRCA2-related cancer predisposition. Identifiers: MedGen CN377758, MONDO:0700269.
Hereditary cancer. Identifiers: MedGen C1333600.
Breast and/or ovarian cancer. Identifiers: MedGen CN221562.
Hereditary cancer-predisposing syndrome. Also called: Hereditary Cancer Syndrome; Neoplastic Syndromes, Hereditary; Hereditary neoplastic syndrome; Tumor predisposition. Identifiers: Orphanet 140162, MedGen C0027672, MeSH D009386, MONDO:0015356.
Hereditary breast ovarian cancer syndrome. Also called: Breast and ovarian cancer; Hereditary breast and ovarian cancer syndrome; Hereditary breast and/or ovarian cancer syndrome; BRCA1- and BRCA2-Associated Hereditary Breast and Ovarian Cancer; Hereditary breast and ovarian cancer; Hereditary breast and ovarian cancer syndrome (HBOC). Identifiers: Orphanet 145, MedGen C0677776, MeSH D061325, MONDO:0003582. Disease mechanism: loss of function.

Allele frequency attached by ClinVar (database versions not stated): gnomAD exomes below 0.00001 and 0.00001; TOPMed 0.00003.
gnomAD v4.1: 11 of 1,604,152 alleles (0.00069%); highest among the groups gnomAD compares: Middle Eastern, 0.017%; no homozygotes.

Submissions (12):

Labcorp Genetics (formerly Invitae), Labcorp
Classification: Likely benign for Hereditary breast ovarian cancer syndrome. Last evaluated: 2025-11-24. Review status: criteria provided, single submitter. Criteria: Invitae Variant Classification Sherloc (09022015). Collection method: clinical testing. Allele origin: germline.

Women's Health and Genetics/Laboratory Corporation of America, LabCorp
Classification: Uncertain significance. Last evaluated: 2025-10-09. Review status: criteria provided, single submitter. Criteria: LabCorp Variant Classification Summary - May 2015. Collection method: clinical testing. Allele origin: germline.
Comment: Variant summary: BRCA2 c.811G>A (p.Gly271Arg) results in a non-conservative amino acid change in the encoded protein sequence. Algorithms developed to predict the effect of missense changes on protein structure and function are either unavailable or do not agree on the potential impact of this missense change. The variant allele was found at a frequency of 8.2e-06 in 244314 control chromosomes. The available data on variant occurrences in the general population are insufficient to allow any conclusion about variant significance. c.811G>A has been observed in individuals with a personal and/or family history of breast cancer (e.g. Ebrahimi_Carvalho_2020, Guindalini_2022, Mazzonetto_2023). These reports do not provide unequivocal conclusions about association of the variant with Hereditary Breast And Ovarian Cancer Syndrome. To our knowledge, no experimental evidence demonstrating an impact on protein function has been reported. The following publications have been ascertained in the context of this evaluation (PMID: 32039725, 31451522, 35264596, 36881271). ClinVar contains an entry for this variant (Variation ID: 188426). Based on the evidence outlined above, the variant was classified as uncertain significance.

Quest Diagnostics Nichols Institute San Juan Capistrano
Classification: Uncertain significance. Last evaluated: 2025-08-28. Review status: criteria provided, single submitter. Criteria: Quest Diagnostics criteria. Collection method: clinical testing. Allele origin: unknown.
Comment: The BRCA2 c.811G>A (p.Gly271Arg) variant has been reported in the published literature in individuals with breast cancer (PMID: 31451522 (2019), 33471991 (2021), 35264596 (2022), see also LOVD)). This variant has also been reported to be located in a region of the BRCA2 gene that is tolerant to missense sequence changes (PMID: 31911673 (2020)). The frequency of this variant in the general population (Genome Aggregation Database) is uninformative in the assessment of its pathogenicity. Analysis of this variant using bioinformatics tools for the prediction of the effect of amino acid changes on protein structure and function yielded predictions that this variant is benign. Based on the available information, we are unable to determine the clinical significance of this variant.

All of Us Research Program, National Institutes of Health
Classification: Likely benign for BRCA2-related cancer predisposition. Last evaluated: 2024-08-13. Review status: criteria provided, single submitter. Criteria: ACMG Guidelines, 2015. Collection method: clinical testing. Allele origin: germline. Inheritance: Autosomal dominant inheritance. Observed: 1 variant allele, 1 heterozygote.
Comment: This study involves interpretation of variants in research participants for the purpose of population health screening. Participant phenotype was not available at the time of variant classification. Additional details can be found in publication PMID: 35346344, PMCID: PMC8962531

Department of Pathology and Laboratory Medicine, Sinai Health System
Classification: Likely benign for Familial colorectal cancer type X. Last evaluated: 2024-04-26. Review status: criteria provided, single submitter. Criteria: ACMG Guidelines, 2015. Collection method: clinical testing. Allele origin: germline. Affected: yes.

Mendelics
Classification: Likely benign for Hereditary cancer. Last evaluated: 2024-01-23. Review status: criteria provided, single submitter. Criteria: ACMG Guidelines, 2015. Collection method: clinical testing. Allele origin: unknown.

University of Washington Department of Laboratory Medicine, University of Washington
Classification: Likely benign for Hereditary cancer-predisposing syndrome. Last evaluated: 2023-03-23. Review status: criteria provided, single submitter. Criteria: Dines et al. (Genet Med. 2020). Collection method: curation. Allele origin: germline.
Comment: Missense variant in a coldspot region where missense variants are very unlikely to be pathogenic (PMID:31911673).

BRCA2 exon 10 coldspot. Reclassification based on statistical prior probability.

Sema4
Classification: Uncertain significance for Hereditary cancer-predisposing syndrome. Last evaluated: 2021-05-10. Review status: criteria provided, single submitter. Criteria: Sema4 Curation Guidelines. Collection method: curation. Allele origin: germline.
Comment: The BRCA2 c.811G>A (p.G271R) variant has been reported in at least two individuals with breast cancer, including one individual with early onset breast cancer and a mature cystic teratoma of the ovary (PMID: 32039725, 33471991). It was observed in 2/111702 chromosomes of the Non-Finnish European subpopulation in the large and broad cohorts of the Genome Aggregation Database (PMID: 32461654). The variant has been reported in ClinVar (Variation ID 188426). In silico tools suggest the impact of the variant on protein function is inconclusive, though these predictions have not been confirmed by functional studies. The evidence is insufficient to meet ACMG/AMP criteria for classifying the variant as benign or pathogenic. Thus, the clinical significance of this variant is currently uncertain.

GeneDx
Classification: Uncertain significance. Last evaluated: 2019-06-21. Review status: criteria provided, single submitter. Criteria: GeneDx Variant Classification Process June 2021. Collection method: clinical testing. Allele origin: germline. Affected: yes.
Comment: Not observed at a significant frequency in large population cohorts (Lek et al., 2016); In silico analysis, which includes protein predictors and evolutionary conservation, supports that this variant does not alter protein structure/function; This variant is associated with the following publications: (PMID: 31451522, 32039725, 30212499)

Ambry Genetics
Classification: Likely benign for Hereditary cancer-predisposing syndrome. Last evaluated: 2018-03-23. Review status: criteria provided, single submitter. Criteria: Ambry Variant Classification Scheme 2023. Collection method: clinical testing. Allele origin: germline.

CHEO Genetics Diagnostic Laboratory, Children's Hospital of Eastern Ontario
Classification: Uncertain significance for Breast and/or ovarian cancer. Last evaluated: 2018-02-20. Review status: criteria provided, single submitter. Criteria: ACMG Guidelines, 2015. Collection method: clinical testing. Allele origin: germline.

Color Diagnostics, LLC DBA Color Health
Classification: Likely benign for Hereditary cancer-predisposing syndrome. Last evaluated: 2016-08-18. Review status: criteria provided, single submitter. Criteria: ACMG Guidelines, 2015. Collection method: clinical testing. Allele origin: germline.

Literature cited by the submitters: PubMed 32039725 (cited by 4 submitters); PubMed 31451522 (cited by 3 submitters); PubMed 35264596 (cited by Women's Health and Genetics/Laboratory Corporation of America, LabCorp and Quest Diagnostics Nichols Institute San Juan Capistrano); PubMed 36881271 (cited by Women's Health and Genetics/Laboratory Corporation of America, LabCorp); PubMed 31911673 (cited by Quest Diagnostics Nichols Institute San Juan Capistrano); PubMed 33471991 (cited by 3 submitters).